The following is an entry in ClinVar:

NM_018255.4(ELP2):c.1068C>G (p.Ile356Met)

Gene: ELP2 (elongator acetyltransferase complex subunit 2; plus strand). Cytogenetic location: 18q12.2.
Variant type: single nucleotide variant.
Coding change: c.1068C>G on transcript NM_018255.4 (MANE Select); coding-DNA position 1068, C replaced by G.
Protein change: p.Ile356Met; replaces isoleucine 356 with methionine.
Molecular consequence: missense variant. On other transcripts: non-coding transcript variant (4), intron variant (3).
Genome position (GRCh38, 1-based): chr18:36,146,324, C>G. VCF-style: chr18-36146324-C-G. GRCh37 (hg19) VCF-style: chr18-33726287-C-G.
Other names: c.1263C>G, p.Ile421Met (NM_001242875.3); c.990C>G, p.Ile330Met (NM_001242877.3); c.858C>G, p.Ile286Met (NM_001242879.3); c.1185C>G, p.Ile395Met (NM_001324466.2); c.1068C>G, p.Ile356Met (NM_001324467.2); c.621C>G, p.Ile207Met (NM_001324468.2); c.993+276C>G (NM_001324465.2); c.1110+276C>G (NM_001242876.3); and 1 more; short protein forms I207M, I286M, I330M, I356M, I395M, I421M.
Identifiers: ClinVar variation 2634944 (VCV002634944.2), dbSNP rs920215685, ClinGen allele CA298669269.
Genomic context (GRCh38, chr18:36,146,324, plus strand): 5'-AGTAGGTGGGAATACTTTGGGATTTTATGATTGCCAGTTCAATGAAGATGGCTCCATGAT[C>G]ATTGCTCATGCTTTCCACGGAGCGTTGCACCTTTGGAAACAGAATACAGTTAACCCAGTA-3'
Protein context (NP_060725.1, residues 346-366): DCQFNEDGSM[Ile356Met]IAHAFHGALH

ClinVar aggregate classification (germline): Uncertain significance (1 of 4 stars; one submission).

Conditions:
ELP2-related disorder. Also called: ELP2-Related Disorders; ELP2-related condition.

Allele frequency attached by ClinVar (database versions not stated): gnomAD 0.00001; TOPMed 0.00001.
gnomAD v4.1: 13 of 1,613,994 alleles (0.00081%); highest among the groups gnomAD compares: African/African-American, 0.0013%; no homozygotes.

Submission:

PreventionGenetics, part of Exact Sciences
Classification: Uncertain significance for ELP2-related condition. Last evaluated: 2025-10-01. Review status: criteria provided, single submitter. Criteria: ACMG Guidelines, 2015. Collection method: clinical testing. Allele origin: germline.
Comment: The ELP2 c.1263C>G variant is predicted to result in the amino acid substitution p.Ile421Met. To our knowledge, this variant has not been reported in the literature. This variant is reported in 0.011% of alleles in individuals of African descent in gnomAD. At this time, the clinical significance of this variant is uncertain due to the absence of conclusive functional and genetic evidence.